The following is an entry in ClinVar:

ClinVar aggregate classification (germline): Uncertain significance. Review status: criteria provided, single submitter (1 of 4 stars). 2 submissions from 2 submitters: Uncertain significance (1). 1 of the submissions does not count toward it. Last evaluated 2019-03-01.

Conditions:
SPOUT1-related disorder. Also called: SPOUT1-related condition.

Submissions (2):

CeGaT Center for Human Genetics Tuebingen
Classification: Uncertain significance. Last evaluated: 2019-03-01. Review status: criteria provided, single submitter. Criteria: CeGaT Center For Human Genetics Tuebingen Variant Classification Criteria Version 2. Collection method: clinical testing. Allele origin: germline. Affected: yes. Observed: 2 variant alleles.

PreventionGenetics, part of Exact Sciences
Classification: Likely benign for SPOUT1-related condition. Last evaluated: 2024-01-19. Review status: no assertion criteria provided. Collection method: clinical testing. Allele origin: germline. Not counted in ClinVar's aggregate classification.
Comment: This variant is classified as likely benign based on ACMG/AMP sequence variant interpretation guidelines (Richards et al. 2015 PMID: 25741868, with internal and published modifications).

NM_016390.3(SPOUT1):c.102dup (p.Trp35Metfs)

Genes: KYAT1-SPOUT1 (KYAT1-SPOUT1 readthrough; minus strand), SPOUT1 (SPOUT domain containing methyltransferase 1; minus strand). Cytogenetic location: 9q34.11.
Variant type: Duplication.
Coding change: c.102dup on transcript NM_016390.3; coding-DNA position 102, one base duplicated (A; older notation c.102dupA).
Protein change: p.Trp35Metfs; shifts the reading frame from tryptophan 35.
Molecular consequence: frameshift variant (on NM_016390.4).
Genome position (GRCh38, 1-based): chr9:128,828,841, T duplicated on the plus strand (A on the coding strand, the reverse complement: SPOUT1 is on the minus strand); the first of 9 consecutive T bases (chr9:128,828,841-128,828,849); duplicating any one gives the same sequence. VCF-style (leftmost placement, unchanged base first): chr9-128828840-A-AT. GRCh37 (hg19) VCF-style: chr9-131591119-A-AT.
Other names: c.102dup, p.Trp35fs (NM_016390.4); c.102dupA (NM_016390.3); short protein forms W35fs.
Identifiers: ClinVar variation 547052 (VCV000547052.44), dbSNP rs749421754, ClinGen allele CA5270022.
Genomic context (GRCh38, chr9:128,828,840, plus strand): 5'-TTGCCTGTTCCTCCTGTGCCCGCTGCCGCTCCAGTTTTTTCATCAGCTTGAGATCCTTCC[A>AT]TTTTTTTTTCTCCTCTTTCTCTGGATAAAAGAACATCCTAATTGGCCAAGGAGACAGTTC-3'